The following is an entry in ClinVar:

NM_000059.4(BRCA2):c.-26G>T

Gene: BRCA2 (BRCA2 DNA repair associated; plus strand). Cytogenetic location: 13q13.1.
Variant type: single nucleotide variant.
Coding change: c.-26G>T on transcript NM_000059.4 (MANE Select); 26 bases upstream of the start codon, G replaced by T.
Molecular consequence: 5 prime UTR variant.
Genome position (GRCh38, 1-based): chr13:32,316,435, G>T. VCF-style: chr13-32316435-G-T. GRCh37 (hg19) VCF-style: chr13-32890572-G-T.
Other names: 203G/T.
Identifiers: ClinVar variation 125967 (VCV000125967.7), dbSNP rs1799943, ClinGen allele CA016125.
Genomic context (GRCh38, chr13:32,316,435, plus strand): 5'-AAGGAATGCATCCCTGTGTAAGTGCATTTTGGTCTTCTGTTTTGCAGACTTATTTACCAA[G>T]CATTGGAGGAATATCGTAGGTAAAAATGCCTATTGGATCCAAAGAGAGGCCAACATTTTT-3'

ClinVar aggregate classification (germline): Uncertain significance. Review status: criteria provided, single submitter (1 of 4 stars). 2 submissions from 2 submitters: Uncertain significance (1). 1 of the submissions does not count toward it. Last evaluated 2024-04-16.

Conditions:
Hereditary breast ovarian cancer syndrome. Also called: Hereditary breast and ovarian cancer; Hereditary breast and/or ovarian cancer syndrome; BRCA1- and BRCA2-Associated Hereditary Breast and Ovarian Cancer; Hereditary breast and ovarian cancer syndrome; Hereditary breast and ovarian cancer syndrome (HBOC); Breast and ovarian cancer. Identifiers: Orphanet 145, MedGen C0677776, MeSH D061325, MONDO:0003582. Disease mechanism: loss of function.
Breast-ovarian cancer, familial, susceptibility to, 2 (BROVCA2). Also called: BRCA2 Hereditary Breast and Ovarian Cancer. Identifiers: Orphanet 145, MedGen C2675520, MONDO:0012933, OMIM 612555. Disease mechanism: loss of function.

Submissions (2):

Labcorp Genetics (formerly Invitae), Labcorp
Classification: Uncertain significance for Hereditary breast ovarian cancer syndrome. Last evaluated: 2024-04-16. Review status: criteria provided, single submitter. Criteria: Invitae Variant Classification Sherloc (09022015). Collection method: clinical testing. Allele origin: germline.
Comment: This variant occurs in a non-coding region of the BRCA2 gene. It does not change the encoded amino acid sequence of the BRCA2 protein. This variant is not present in population databases (gnomAD no frequency). This variant has not been reported in the literature in individuals affected with BRCA2-related conditions. ClinVar contains an entry for this variant (Variation ID: 125967). Experimental studies and prediction algorithms are not available or were not evaluated, and the functional significance of this variant is currently unknown. In summary, the available evidence is currently insufficient to determine the role of this variant in disease. Therefore, it has been classified as a Variant of Uncertain Significance.

Breast Cancer Information Core (BIC) (BRCA2)
Classification: Benign for Breast-ovarian cancer, familial 2. Last evaluated: 2002-05-29. Review status: no assertion criteria provided. Collection method: clinical testing. Allele origin: germline. Affected: yes. Observed: 1 variant allele. Not counted in ClinVar's aggregate classification.